The following is an entry in ClinVar:

2q13 deletion (290 kb)

Gene: NPHP1 (nephrocystin 1; minus strand). Cytogenetic location: 2q13.
Variant type: Deletion.
Identifiers: ClinVar variation 242361 (VCV000242361.1).

ClinVar aggregate classification (germline): Pathogenic (0 of 4 stars; one submission).

Conditions:
Nephronophthisis. Also called: Juvenile Nephronophthisis. Identifiers: Orphanet 655, MedGen C0687120, MONDO:0019005, HP:0000090.

Submission:

GeneReviews
Classification: Pathogenic for Nephronophthisis. Last evaluated: 2016-02-10. Review status: no assertion criteria provided. Collection method: literature only. Allele origin: germline. Affected: yes.
Comment: 290-kb deletion including entire gene

Literature cited by the submitters: PubMed 24746959; PubMed 19118152; PubMed 23559409.